The following is an entry in ClinVar:

NM_007294.4(BRCA1):c.2008G>A (p.Glu670Lys)

Gene: BRCA1 (BRCA1 DNA repair associated; minus strand). Cytogenetic location: 17q21.31.
Variant type: single nucleotide variant.
Coding change: c.2008G>A on transcript NM_007294.4 (MANE Select); coding-DNA position 2008, G replaced by A.
Protein change: p.Glu670Lys; replaces glutamic acid 670 with lysine.
Molecular consequence: missense variant. On other transcripts: intron variant (137).
Genome position (GRCh38, 1-based): chr17:43,093,523, C>T on the plus strand (G>A on the coding strand, the complement: BRCA1 is on the minus strand). VCF-style: chr17-43093523-C-T. GRCh37 (hg19) VCF-style: chr17-41245540-C-T.
Other names: c.1795G>A, p.Glu599Lys (NM_001407571.1, NM_001407853.1, NM_001407894.1 and 9 more transcripts); c.2008G>A, p.Glu670Lys (NM_001407581.1, NM_001407582.1, NM_001407583.1 and 30 more transcripts); c.2005G>A, p.Glu669Lys (NM_001407587.1, NM_001407590.1, NM_001407591.1 and 22 more transcripts); c.1999G>A, p.Glu667Lys (NM_001407646.1, NM_001407647.1); c.1885G>A, p.Glu629Lys (NM_001407648.1, NM_001407664.1, NM_001407665.1 and 19 more transcripts); c.1882G>A, p.Glu628Lys (NM_001407649.1, NM_001407670.1, NM_001407671.1 and 11 more transcripts); c.1930G>A, p.Glu644Lys (NM_001407653.1, NM_001407654.1, NM_001407655.1 and 4 more transcripts); c.1927G>A, p.Glu643Lys (NM_001407659.1, NM_001407660.1, NM_001407661.1 and 1 more transcripts); and 40 more; short protein forms E670K, E623K, E558K, E628K, E643K, E374K, E600K, E629K.
Identifiers: ClinVar variation 54433 (VCV000054433.26), dbSNP rs80357029, ClinGen allele CA001338.
Genomic context (GRCh38, chr17:43,093,523, plus strand): 5'-TACTTGTCTGTTCATTTGGCTTGTTACTCTTCTTGGCTCCAGTTGCAGGTTCTTTACCTT[C>T]CATGAGTTGTAGGTTTCTGCTGTGCCTGACTGGCATTTGGTTGTACTTTTTTTTCTTTAT-3'
Protein context (NP_009225.1, residues 660-680): VRHSRNLQLM[Glu670Lys]GKEPATGAKK

ClinVar aggregate classification (germline): Conflicting classifications of pathogenicity. Review status: criteria provided, conflicting classifications (1 of 4 stars). 9 submissions from 9 submitters: Uncertain significance (6); Likely benign (1). 2 of the submissions do not count toward it. Last evaluated 2025-11-17.

Conditions:
Hereditary cancer-predisposing syndrome. Also called: Tumor predisposition; Neoplastic Syndromes, Hereditary; Hereditary Cancer Syndrome; Hereditary neoplastic syndrome. Identifiers: Orphanet 140162, MedGen C0027672, MeSH D009386, MONDO:0015356.
Hereditary breast ovarian cancer syndrome. Also called: Hereditary breast and ovarian cancer syndrome (HBOC); Hereditary breast and ovarian cancer syndrome; Hereditary breast and ovarian cancer; Hereditary breast and/or ovarian cancer syndrome; Breast and ovarian cancer; BRCA1- and BRCA2-Associated Hereditary Breast and Ovarian Cancer. Identifiers: Orphanet 145, MedGen C0677776, MeSH D061325, MONDO:0003582. Disease mechanism: loss of function.
Breast-ovarian cancer, familial, susceptibility to, 1 (BROVCA1). Also called: OVARIAN CANCER, SUSCEPTIBILITY TO; BRCA1 Hereditary Breast and Ovarian Cancer. Identifiers: Orphanet 145, MedGen C2676676, MONDO:0011450, OMIM 604370. Disease mechanism: loss of function.

Allele frequency attached by ClinVar (database versions not stated): gnomAD exomes 0.00001 and 0.00002; TOPMed 0.00001.
gnomAD v4.1: 4 of 1,614,008 alleles (0.00025%); highest among the groups gnomAD compares: Admixed American, 0.0067%; no homozygotes.

Submissions (9):

Labcorp Genetics (formerly Invitae), Labcorp
Classification: Uncertain significance for Hereditary breast ovarian cancer syndrome. Last evaluated: 2025-11-17. Review status: criteria provided, single submitter. Criteria: Invitae Variant Classification Sherloc (09022015). Collection method: clinical testing. Allele origin: germline.
Comment: This sequence change replaces glutamic acid, which is acidic and polar, with lysine, which is basic and polar, at codon 670 of the BRCA1 protein (p.Glu670Lys). This variant is present in population databases (rs80357029, gnomAD 0.01%). This variant has not been reported in the literature in individuals affected with BRCA1-related conditions. ClinVar contains an entry for this variant (Variation ID: 54433). Invitae Evidence Modeling of protein sequence and biophysical properties (such as structural, functional, and spatial information, amino acid conservation, physicochemical variation, residue mobility, and thermodynamic stability) indicates that this missense variant is not expected to disrupt BRCA1 protein function with a negative predictive value of 80%. In summary, the available evidence is currently insufficient to determine the role of this variant in disease. Therefore, it has been classified as a Variant of Uncertain Significance.

Women's Health and Genetics/Laboratory Corporation of America, LabCorp
Classification: Uncertain significance. Last evaluated: 2025-10-06. Review status: criteria provided, single submitter. Criteria: LabCorp Variant Classification Summary - May 2015. Collection method: clinical testing. Allele origin: germline.
Comment: Variant summary: BRCA1 c.2008G>A (p.Glu670Lys) results in a conservative amino acid change in the encoded protein sequence. Algorithms developed to predict the effect of missense changes on protein structure and function all suggest that this variant is likely to be tolerated. The variant allele was found at a frequency of 1.6e-05 in 251242 control chromosomes. The available data on variant occurrences in the general population are insufficient to allow any conclusion about variant significance. To our knowledge, no occurrence of c.2008G>A in individuals affected with BRCA1-related conditions and no experimental evidence demonstrating its impact on protein function have been reported. ClinVar contains an entry for this variant (Variation ID: 54433). Based on the evidence outlined above, the variant was classified as uncertain significance.

Quest Diagnostics Nichols Institute San Juan Capistrano
Classification: Uncertain significance. Last evaluated: 2024-05-29. Review status: criteria provided, single submitter. Criteria: Quest Diagnostics criteria. Collection method: clinical testing. Allele origin: unknown.

Ambry Genetics
Classification: Uncertain significance for Hereditary cancer-predisposing syndrome. Last evaluated: 2024-04-22. Review status: criteria provided, single submitter. Criteria: Ambry Variant Classification Scheme 2023. Collection method: clinical testing. Allele origin: germline.
Comment: The p.E670K variant (also known as c.2008G>A), located in coding exon 9 of the BRCA1 gene, results from a G to A substitution at nucleotide position 2008. The glutamic acid at codon 670 is replaced by lysine, an amino acid with similar properties. This amino acid position is poorly conserved in available vertebrate species. In addition, the in silico prediction for this alteration is inconclusive. Since supporting evidence is limited at this time, the clinical significance of this alteration remains unclear.

All of Us Research Program, National Institutes of Health
Classification: Uncertain significance for Breast-ovarian cancer, familial, susceptibility to, 1. Last evaluated: 2023-11-30. Review status: criteria provided, single submitter. Criteria: ACMG Guidelines, 2015. Collection method: clinical testing. Allele origin: germline. Inheritance: Autosomal dominant inheritance. Observed: 3 variant alleles, 3 heterozygotes.
Comment: This missense variant replaces glutamic acid with lysine at codon 670 of the BRCA1 protein. Computational prediction is inconclusive regarding the impact of this variant on protein structure and function (internally defined REVEL score threshold 0.5 < inconclusive < 0.7, PMID: 27666373). To our knowledge, functional studies have not been reported for this variant. This variant has been reported in an individual affected with breast and ovarian cancer in the Breast Cancer Information Core database (PMID: 10923033). This variant has been identified in 4/251242 chromosomes in the general population by the Genome Aggregation Database (gnomAD). The available evidence is insufficient to determine the role of this variant in disease conclusively. Therefore, this variant is classified as a Variant of Uncertain Significance.

This study involves interpretation of variants in research participants for the purpose of population health screening. Participant phenotype was not available at the time of variant classification. Additional details can be found in publication PMID: 35346344, PMCID: PMC8962531

Color Diagnostics, LLC DBA Color Health
Classification: Uncertain significance for Hereditary cancer-predisposing syndrome. Last evaluated: 2023-10-11. Review status: criteria provided, single submitter. Criteria: ACMG Guidelines, 2015. Collection method: clinical testing. Allele origin: germline.
Comment: This missense variant replaces glutamic acid with lysine at codon 670 of the BRCA1 protein. Computational prediction is inconclusive regarding the impact of this variant on protein structure and function. To our knowledge, functional studies have not been reported for this variant. This variant has been reported in an individual affected with breast and ovarian cancer in the Breast Cancer Information Core database (PMID: 10923033). This variant has been identified in 4/251242 chromosomes in the general population by the Genome Aggregation Database (gnomAD). The available evidence is insufficient to determine the role of this variant in disease conclusively. Therefore, this variant is classified as a Variant of Uncertain Significance.

University of Washington Department of Laboratory Medicine, University of Washington
Classification: Likely benign for Hereditary cancer-predisposing syndrome. Last evaluated: 2023-03-23. Review status: criteria provided, single submitter. Criteria: Dines et al. (Genet Med. 2020). Collection method: curation. Allele origin: germline.
Comment: Missense variant in a coldspot region where missense variants are very unlikely to be pathogenic (PMID:31911673).

BRCA1 coldspot (exon 11 using historical exon numbering). Reclassification based on statistical prior probability

Counsyl
Classification: Uncertain significance for Breast-ovarian cancer, familial, susceptibility to, 1. Last evaluated: 2016-12-13. Review status: no assertion criteria provided. Collection method: clinical testing. Allele origin: unknown. Not counted in ClinVar's aggregate classification.

Breast Cancer Information Core (BIC) (BRCA1)
Classification: Uncertain significance for Breast-ovarian cancer, familial 1. Last evaluated: 2006-07-19. Review status: no assertion criteria provided. Collection method: clinical testing. Allele origin: germline. Affected: yes. Observed: 1 variant allele. Not counted in ClinVar's aggregate classification.

Literature cited by the submitters: PubMed 31911673 (cited by Quest Diagnostics Nichols Institute San Juan Capistrano); PubMed 10923033 (cited by All of Us Research Program, National Institutes of Health and Color Diagnostics, LLC DBA Color Health).